The following is an entry in ClinVar:

ClinVar aggregate classification (germline): Uncertain significance. Review status: criteria provided, multiple submitters, no conflicts (2 of 4 stars). 2 submissions from 2 submitters: Uncertain significance (2). Last evaluated 2025-05-20.

gnomAD v4.1: 1 of 1,608,456 alleles (0.000062%); highest among the groups gnomAD compares: Admixed American, 0.0017%; no homozygotes.

Submissions (2):

Ambry Genetics
Classification: Uncertain significance. Last evaluated: 2025-05-20. Review status: criteria provided, single submitter. Criteria: Ambry Variant Classification Scheme 2023. Collection method: clinical testing. Allele origin: germline.

GeneDx
Classification: Uncertain significance. Last evaluated: 2025-03-26. Review status: criteria provided, single submitter. Criteria: GeneDx Variant Classification Process June 2021. Collection method: clinical testing. Allele origin: germline. Affected: yes.
Comment: Not observed at significant frequency in large population cohorts (gnomAD); In silico analysis indicates that this missense variant does not alter protein structure/function; Has not been previously published as pathogenic or benign to our knowledge

NM_006178.4(NSF):c.1715A>C (p.Lys572Thr)

Genes: LRRC37A2 (leucine rich repeat containing 37 member A2), NSF (N-ethylmaleimide sensitive factor, vesicle fusing ATPase; plus strand). Cytogenetic location: 17q21.31.
Variant type: single nucleotide variant.
Coding change: c.1715A>C on transcript NM_006178.4 (MANE Select); coding-DNA position 1715, A replaced by C.
Protein change: p.Lys572Thr; replaces lysine 572 with threonine.
Molecular consequence: missense variant. On other transcripts: non-coding transcript variant (1).
Genome position (GRCh38, 1-based): chr17:46,713,940, A>C. VCF-style: chr17-46713940-A-C. GRCh37 (hg19) VCF-style: chr17-44791306-A-C.
Other names: short protein forms K572T.
Identifiers: ClinVar variation 3922048 (VCV003922048.2).